The following is an entry in ClinVar:

ClinVar aggregate classification (germline): Uncertain significance. Review status: criteria provided, multiple submitters, no conflicts (2 of 4 stars). 3 submissions from 3 submitters: Uncertain significance (3). Last evaluated 2025-12-31.

Conditions:
Inborn genetic diseases. Identifiers: MedGen C0950123, MeSH D030342.
Hereditary cancer-predisposing syndrome. Also called: Neoplastic Syndromes, Hereditary; Tumor predisposition; Hereditary neoplastic syndrome; Hereditary Cancer Syndrome. Identifiers: Orphanet 140162, MedGen C0027672, MeSH D009386, MONDO:0015356.
Cowden syndrome (CS). Also called: Cowden's disease; Cowden's syndrome; Cowden disease. Identifiers: Orphanet 201, MedGen C0018553, MONDO:0016063. Disease mechanism: gain of function.

gnomAD v4.1: 1 of 1,606,970 alleles (0.000062%); no homozygotes.

Submissions (3):

Ambry Genetics
Classification: Uncertain significance for Inborn genetic diseases. Last evaluated: 2025-12-31. Review status: criteria provided, single submitter. Criteria: Ambry Variant Classification Scheme 2023. Collection method: clinical testing. Allele origin: germline.

Labcorp Genetics (formerly Invitae), Labcorp
Classification: Uncertain significance for Cowden syndrome. Last evaluated: 2023-06-14. Review status: criteria provided, single submitter. Criteria: Invitae Variant Classification Sherloc (09022015). Collection method: clinical testing. Allele origin: germline.
Comment: In summary, the available evidence is currently insufficient to determine the role of this variant in disease. Therefore, it has been classified as a Variant of Uncertain Significance. Advanced modeling of protein sequence and biophysical properties (such as structural, functional, and spatial information, amino acid conservation, physicochemical variation, residue mobility, and thermodynamic stability) has been performed at Invitae for this missense variant, however the output from this modeling did not meet the statistical confidence thresholds required to predict the impact of this variant on PIK3CA protein function. ClinVar contains an entry for this variant (Variation ID: 584655). This variant has not been reported in the literature in individuals affected with PIK3CA-related conditions. This variant is not present in population databases (gnomAD no frequency). This sequence change replaces arginine, which is basic and polar, with lysine, which is basic and polar, at codon 740 of the PIK3CA protein (p.Arg740Lys).

Mendelics
Classification: Uncertain significance for Hereditary cancer-predisposing syndrome. Last evaluated: 2018-07-02. Review status: criteria provided, single submitter. Criteria: Mendelics Assertion Criteria 2017. Collection method: clinical testing. Allele origin: unknown.

NM_006218.4(PIK3CA):c.2219G>A (p.Arg740Lys)

Gene: PIK3CA (phosphatidylinositol-4,5-bisphosphate 3-kinase catalytic subunit alpha; plus strand). Cytogenetic location: 3q26.32.
Variant type: single nucleotide variant.
Coding change: c.2219G>A on transcript NM_006218.4 (MANE Select); coding-DNA position 2219, G replaced by A.
Protein change: p.Arg740Lys; replaces arginine 740 with lysine.
Molecular consequence: missense variant.
Genome position (GRCh38, 1-based): chr3:179,224,112, G>A. VCF-style: chr3-179224112-G-A. GRCh37 (hg19) VCF-style: chr3-178941900-G-A.
Other names: c.2219G>A (NM_006218.2); short protein forms R740K.
Identifiers: ClinVar variation 584655 (VCV000584655.11), dbSNP rs1560147074, ClinGen allele CA355270365.